The following is an entry in ClinVar:

ClinVar aggregate classification (germline): Likely benign. Review status: reviewed by expert panel (3 of 4 stars). 3 submissions from 3 submitters: Likely benign (1). 2 of the submissions do not count toward it. Last evaluated 2023-11-13.

Conditions:
Inborn genetic diseases. Identifiers: MedGen C0950123, MeSH D030342.
Hereditary thrombocytopenia and hematologic cancer predisposition syndrome. Identifiers: Orphanet 71290, MedGen CN281654, MONDO:0011071.
Hereditary thrombocytopenia and hematological cancer predisposition syndrome associated with RUNX1. Also called: PLATELET DISORDER, ASPIRIN-LIKE; RUNX1 Familial Platelet Disorder with Associated Myeloid Malignancies; Familial Platelet Disorder with Propensity to Acute Myelogenous Leukemia; Familial thrombocytopenia with propensity to acute myelogenous leukemia. Identifiers: Orphanet 71290, MedGen C1832388, MeSH C563324, MONDO:0100083, OMIM 601399.

Allele frequency attached by ClinVar (database versions not stated): gnomAD exomes 0.00001.
gnomAD v4.1: 9 of 1,610,810 alleles (0.00056%); highest among the groups gnomAD compares: Middle Eastern, 0.017%; no homozygotes.

Submissions (3):

ClinGen Myeloid Malignancy Variant Curation Expert Panel
Classification: Likely benign for Hereditary thrombocytopenia and hematologic cancer predisposition syndrome. Last evaluated: 2023-11-13. Review status: reviewed by expert panel. Criteria: ClinGen MyeloMalig ACMG Specifications v2. Collection method: curation. Allele origin: germline. Inheritance: Autosomal dominant inheritance.
Comment: NM_001754.5(RUNX1):c.738G>A (p.Thr246=) is a synonymous variant. REVEL score is not applicable and SpliceAI is <=0.20 (BP4). Evolutionary conservation prediction algorithms predict the site as not being conserved (PhyloP score 0.464 < 2.0 or the variant is the reference nucleotide in one primate and/or three mammal species) (BP7). In summary, this variant meets criteria to be classified as likely benign. ACMG/AMP criteria applied, as specified by the Myeloid Malignancy Variant Curation Expert Panel for RUNX1: BP4 and BP7

Labcorp Genetics (formerly Invitae), Labcorp
Classification: Likely benign for Hereditary thrombocytopenia and hematological cancer predisposition syndrome associated with RUNX1. Last evaluated: 2025-11-10. Review status: criteria provided, single submitter. Criteria: Invitae Variant Classification Sherloc (09022015). Collection method: clinical testing. Allele origin: germline. Not counted in ClinVar's aggregate classification.

Ambry Genetics
Classification: Likely benign for Inborn genetic diseases. Last evaluated: 2025-02-28. Review status: criteria provided, single submitter. Criteria: Ambry Variant Classification Scheme 2023. Collection method: clinical testing. Allele origin: germline. Not counted in ClinVar's aggregate classification.

NM_001754.5(RUNX1):c.738G>A (p.Thr246=)

Gene: RUNX1 (RUNX family transcription factor 1; minus strand). Cytogenetic location: 21q22.12.
Variant type: single nucleotide variant.
Coding change: c.738G>A on transcript NM_001754.5 (MANE Select); coding-DNA position 738, G replaced by A.
Protein change: p.Thr246=; no amino-acid change (threonine 246 retained).
Molecular consequence: synonymous variant.
Genome position (GRCh38, 1-based): chr21:34,834,477, C>T on the plus strand (G>A on the coding strand, the complement: RUNX1 is on the minus strand). VCF-style: chr21-34834477-C-T. GRCh37 (hg19) VCF-style: chr21-36206774-C-T.
Other names: NM_001754.5(RUNX1):c.738G>A; p.Thr246=; c.657G>A, p.Thr219= (NM_001001890.3, NM_001122607.2); c.738G>A (NM_001754.4).
Identifiers: ClinVar variation 1106914 (VCV001106914.11), dbSNP rs546998294, ClinGen allele CA320603653.
Genomic context (GRCh38, chr21:34,834,477, plus strand): 5'-CTGACTCTGAGGCTGAGGGTTAAAGGCAGTGGAGTGGTTCAGGGAGGCACGAGGGTTGGG[C>T]GTGGGGGCTGGGTGGTGTGGGCTGACCCTCATGGCTGTGCGCCGCAGCTGCTCCAGTTCA-3'
Protein context (NP_001745.2, residues 236-256): MRVSPHHPAP[Thr246=]PNPRASLNHS